The following is an entry in ClinVar:

ClinVar aggregate classification (germline): Uncertain significance (1 of 4 stars; one submission).

Allele frequency attached by ClinVar (database versions not stated): gnomAD exomes below 0.00001.
gnomAD v4.1: 2 of 1,612,958 alleles (0.00012%); highest among the groups gnomAD compares: Non-Finnish European, 0.000085%; no homozygotes.

Submission:

GeneDx
Classification: Uncertain significance. Last evaluated: 2019-12-23. Review status: criteria provided, single submitter. Criteria: GeneDx Variant Classification Process June 2021. Collection method: clinical testing. Allele origin: germline. Affected: yes.
Comment: Not observed in large population cohorts (Lek et al., 2016); In silico analysis, which includes protein predictors and evolutionary conservation, supports a deleterious effect; Has not been previously published as pathogenic or benign to our knowledge

NM_016139.4(CHCHD2):c.293C>T (p.Thr98Ile)

Gene: CHCHD2 (coiled-coil-helix-coiled-coil-helix domain containing 2; minus strand). Cytogenetic location: 7p11.2.
Variant type: single nucleotide variant.
Coding change: c.293C>T on transcript NM_016139.4 (MANE Select); coding-DNA position 293, C replaced by T.
Protein change: p.Thr98Ile; replaces threonine 98 with isoleucine.
Molecular consequence: missense variant.
Genome position (GRCh38, 1-based): chr7:56,104,233, G>A on the plus strand (C>T on the coding strand, the complement: CHCHD2 is on the minus strand). VCF-style: chr7-56104233-G-A. GRCh37 (hg19) VCF-style: chr7-56171926-G-A.
Other names: c.293C>T, p.Thr98Ile (NM_001320327.2); short protein forms T98I.
Identifiers: ClinVar variation 1310950 (VCV001310950.2), dbSNP rs2115579934, ClinGen allele CA367612603.